The following is an entry in ClinVar:

NM_020987.5(ANK3):c.1630C>T (p.His544Tyr)

Gene: ANK3 (ankyrin 3; minus strand). Cytogenetic location: 10q21.2.
Variant type: single nucleotide variant.
Coding change: c.1630C>T on transcript NM_020987.5 (MANE Select); coding-DNA position 1630, C replaced by T.
Protein change: p.His544Tyr; replaces histidine 544 with tyrosine.
Molecular consequence: missense variant.
Genome position (GRCh38, 1-based): chr10:60,198,399, G>A on the plus strand (C>T on the coding strand, the complement: ANK3 is on the minus strand). VCF-style: chr10-60198399-G-A. GRCh37 (hg19) VCF-style: chr10-61958157-G-A.
Other names: c.1612C>T, p.His538Tyr (NM_001204403.2); c.1579C>T, p.His527Tyr (NM_001204404.2); c.1630C>T, p.His544Tyr (NM_001320874.2); short protein forms H527Y, H538Y, H544Y.
Identifiers: ClinVar variation 2087092 (VCV002087092.4), dbSNP rs780344506, ClinGen allele CA5513091.

ClinVar aggregate classification (germline): Uncertain significance (1 of 4 stars; one submission).

Allele frequency attached by ClinVar (database versions not stated): ExAC 0.00001; gnomAD 0.00001; gnomAD exomes 0.00001.
gnomAD v4.1: 13 of 1,614,090 alleles (0.00081%); highest among the groups gnomAD compares: Non-Finnish European, 0.00085%; no homozygotes.

Submission:

Labcorp Genetics (formerly Invitae), Labcorp
Classification: Uncertain significance. Last evaluated: 2023-12-08. Review status: criteria provided, single submitter. Criteria: Invitae Variant Classification Sherloc (09022015). Collection method: clinical testing. Allele origin: germline.
Comment: This sequence change replaces histidine, which is basic and polar, with tyrosine, which is neutral and polar, at codon 544 of the ANK3 protein (p.His544Tyr). This variant is present in population databases (rs780344506, gnomAD 0.004%). This variant has not been reported in the literature in individuals affected with ANK3-related conditions. ClinVar contains an entry for this variant (Variation ID: 2087092). Advanced modeling of protein sequence and biophysical properties (such as structural, functional, and spatial information, amino acid conservation, physicochemical variation, residue mobility, and thermodynamic stability) performed at Invitae indicates that this missense variant is not expected to disrupt ANK3 protein function with a negative predictive value of 80%. In summary, the available evidence is currently insufficient to determine the role of this variant in disease. Therefore, it has been classified as a Variant of Uncertain Significance.